The following is an entry in ClinVar:

ClinVar aggregate classification (germline): Uncertain significance. Review status: criteria provided, multiple submitters, no conflicts (2 of 4 stars). 2 submissions from 2 submitters: Uncertain significance (2). Last evaluated 2023-11-02.

Conditions:
Mendelian susceptibility to mycobacterial diseases due to complete IL12RB1 deficiency. Also called: IL12RB1 DEFICIENCY; Immunodeficiency 30. Identifiers: Orphanet 319552, MedGen C4013949, MONDO:0013955, OMIM 614891.

Allele frequency attached by ClinVar (database versions not stated): gnomAD 0.00001; TOPMed 0.00001; ESP Exome Variant Server 0.00008.
gnomAD v4.1: 37 of 1,613,122 alleles (0.0023%); highest among the groups gnomAD compares: Non-Finnish European, 0.0031%; no homozygotes.

Submissions (2):

Blueprint Genetics
Classification: Uncertain significance. Last evaluated: 2023-11-02. Review status: criteria provided, single submitter. Criteria: ACMG Guidelines, 2015. Collection method: clinical testing. Allele origin: germline.

Labcorp Genetics (formerly Invitae), Labcorp
Classification: Uncertain significance for Mendelian susceptibility to mycobacterial diseases due to complete IL12RB1 deficiency. Last evaluated: 2022-02-24. Review status: criteria provided, single submitter. Criteria: Invitae Variant Classification Sherloc (09022015). Collection method: clinical testing. Allele origin: germline.
Comment: This sequence change replaces glycine, which is neutral and non-polar, with glutamic acid, which is acidic and polar, at codon 554 of the IL12RB1 protein (p.Gly554Glu). This variant is present in population databases (rs369861364, gnomAD 0.006%). This missense change has been observed in individual(s) with tuberculosis (PMID: 11313259). This variant is also known as G594E. ClinVar contains an entry for this variant (Variation ID: 569684). Algorithms developed to predict the effect of missense changes on protein structure and function (SIFT, PolyPhen-2, Align-GVGD) all suggest that this variant is likely to be disruptive. Experimental studies have shown that this missense change does not substantially affect IL12RB1 function (PMID: 16293671). In summary, the available evidence is currently insufficient to determine the role of this variant in disease. Therefore, it has been classified as a Variant of Uncertain Significance.

Literature cited by the submitters: PubMed 11313259 (cited by Labcorp Genetics (formerly Invitae), Labcorp); PubMed 16293671 (cited by Labcorp Genetics (formerly Invitae), Labcorp).

NM_005535.3(IL12RB1):c.1661G>A (p.Gly554Glu)

Gene: IL12RB1 (interleukin 12 receptor subunit beta 1; minus strand). Cytogenetic location: 19p13.11.
Variant type: single nucleotide variant.
Coding change: c.1661G>A on transcript NM_005535.3 (MANE Select); coding-DNA position 1661, G replaced by A.
Protein change: p.Gly554Glu; replaces glycine 554 with glutamic acid.
Molecular consequence: missense variant.
Genome position (GRCh38, 1-based): chr19:18,062,235, C>T on the plus strand (G>A on the coding strand, the complement: IL12RB1 is on the minus strand). VCF-style: chr19-18062235-C-T. GRCh37 (hg19) VCF-style: chr19-18173045-C-T.
Other names: c.1661G>A, p.Gly554Glu (NM_001290023.2); c.1781G>A, p.Gly594Glu (NM_001290024.2); short protein forms G554E, G594E.
Identifiers: ClinVar variation 569684 (VCV000569684.8), dbSNP rs369861364, ClinGen allele CA9304743.